The following is an entry in ClinVar:

ClinVar aggregate classification (germline): Uncertain significance (1 of 4 stars; one submission).

Submission:

GeneDx
Classification: Uncertain significance. Last evaluated: 2026-03-05. Review status: criteria provided, single submitter. Criteria: GeneDx Variant Classification Process June 2021. Collection method: clinical testing. Allele origin: germline.
Comment: Not observed at significant frequency in large population cohorts (gnomAD); In silico analysis supports that this missense variant has a deleterious effect on protein structure/function; Has not been previously published as pathogenic or benign to our knowledge

NM_032188.3(KAT8):c.722A>C (p.Tyr241Ser)

Gene: KAT8 (lysine acetyltransferase 8; plus strand). Cytogenetic location: 16p11.2.
Variant type: single nucleotide variant.
Coding change: c.722A>C on transcript NM_032188.3 (MANE Select); coding-DNA position 722, A replaced by C.
Protein change: p.Tyr241Ser; replaces tyrosine 241 with serine.
Molecular consequence: missense variant.
Genome position (GRCh38, 1-based): chr16:31,128,090, A>C. VCF-style: chr16-31128090-A-C. GRCh37 (hg19) VCF-style: chr16-31139411-A-C.
Other names: c.722A>C, p.Tyr241Ser (NM_182958.4); short protein forms Y241S.
Identifiers: ClinVar variation 2663241 (VCV002663241.2), dbSNP rs767609567, ClinGen allele CA395673824.